The following is an entry in ClinVar:

NM_153240.5(NPHP3):c.3696_3696+3del

Genes: NPHP3 (nephrocystin 3; minus strand), NPHP3-ACAD11 (NPHP3-ACAD11 readthrough (NMD candidate); minus strand). Cytogenetic location: 3q22.1.
Variant type: Deletion.
Coding change: c.3696_3696+3del on transcript NM_153240.5 (MANE Select); coding-DNA position 3696 through 3 bases into the intron after coding-DNA position 3696, 4 bases deleted (GGTA; older notation c.3696_3696+3delGGTA).
Molecular consequence: splice donor variant.
Genome position (GRCh38, 1-based): chr3:132,683,396-132,683,399, TACC deleted on the plus strand (GGTA on the coding strand, the reverse complement: NPHP3 is on the minus strand). VCF-style (leftmost placement, unchanged base first): chr3-132683395-TTACC-T. GRCh37 (hg19) VCF-style: chr3-132402239-TTACC-T.
Other names: c.3696_3696+3delGGTA (NM_153240.4).
Identifiers: ClinVar variation 2151533 (VCV002151533.7), dbSNP rs2530376896, ClinGen allele CA2580068779.

ClinVar aggregate classification (germline): Conflicting classifications of pathogenicity. Review status: criteria provided, conflicting classifications (1 of 4 stars). 4 submissions from 4 submitters: Likely pathogenic (3); Uncertain significance (1). Last evaluated 2024-12-27.

Conditions:
Nephronophthisis. Also called: Juvenile Nephronophthisis. Identifiers: Orphanet 655, MedGen C0687120, MONDO:0019005, HP:0000090.
Nephronophthisis 3 (NPHP3). Also called: Adolescent nephronophthisis. Identifiers: Orphanet 655, MedGen C1858392, MONDO:0011456, OMIM 604387.
Renal-hepatic-pancreatic dysplasia 1 (RHPD1). Identifiers: MedGen C3715199, MONDO:0008833, OMIM 208540.
NPHP3-related Meckel-like syndrome. Also called: Meckel syndrome type 7; GOLDSTON SYNDROME. Identifiers: Orphanet 3032, MedGen C2673885, MONDO:0009966, OMIM 267010.
NPHP3-related disorder. Also called: NPHP3-related condition; NPHP3-related disorders. Identifiers: MedGen CN379163.

Allele frequency attached by ClinVar (database versions not stated): gnomAD exomes below 0.00001.

Submissions (4):

PreventionGenetics, part of Exact Sciences
Classification: Likely pathogenic for NPHP3-related condition. Last evaluated: 2024-12-27. Review status: criteria provided, single submitter. Criteria: ACMG Guidelines, 2015. Collection method: clinical testing. Allele origin: germline.
Comment: The NPHP3 c.3696_3696+3delGGTA variant is predicted to result in a frameshift and premature protein termination (p.Met1232Ilefs*15). This variant is predicted to eliminate the canonical splice donor site (SpliceAI, Jaganathan et al. 2019. PubMed ID: 30661751). To our knowledge, this variant has not been reported in the literature or in a large population database (gnomAD), indicating this variant is rare. Loss of function variants in NPHP3 are expected to be pathogenic. This variant is interpreted as likely pathogenic.

Fulgent Genetics
Classification: Likely pathogenic for Renal-hepatic-pancreatic dysplasia 1; NPHP3-related Meckel-like syndrome; Nephronophthisis 3. Last evaluated: 2024-05-09. Review status: criteria provided, single submitter. Criteria: ACMG Guidelines, 2015. Collection method: clinical testing. Allele origin: germline.

Blueprint Genetics
Classification: Uncertain significance. Last evaluated: 2022-11-11. Review status: criteria provided, single submitter. Criteria: ACMG Guidelines, 2015. Collection method: clinical testing. Allele origin: germline.

Labcorp Genetics (formerly Invitae), Labcorp
Classification: Likely pathogenic for Nephronophthisis. Last evaluated: 2022-09-26. Review status: criteria provided, single submitter. Criteria: Invitae Variant Classification Sherloc (09022015). Collection method: clinical testing. Allele origin: germline.
Comment: This variant results in the deletion of part of exon 25 (c.3696_3696+3del) of the NPHP3 gene. It is expected to disrupt RNA splicing. Variants that disrupt the donor or acceptor splice site typically lead to a loss of protein function (PMID: 16199547), and loss-of-function variants in NPHP3 are known to be pathogenic (PMID: 18371931, 23559409). This variant is not present in population databases (gnomAD no frequency). This variant has not been reported in the literature in individuals affected with NPHP3-related conditions. Algorithms developed to predict the effect of sequence changes on RNA splicing suggest that this variant may disrupt the consensus splice site. In summary, the currently available evidence indicates that the variant is pathogenic, but additional data are needed to prove that conclusively. Therefore, this variant has been classified as Likely Pathogenic.

Literature cited by the submitters: PubMed 16199547 (cited by Labcorp Genetics (formerly Invitae), Labcorp); PubMed 18371931 (cited by Labcorp Genetics (formerly Invitae), Labcorp); PubMed 23559409 (cited by Labcorp Genetics (formerly Invitae), Labcorp).